The following is an entry in ClinVar:

ClinVar aggregate classification (germline): Benign/Likely benign. Review status: criteria provided, multiple submitters, no conflicts (2 of 4 stars). 4 submissions from 4 submitters: Benign (1); Likely benign (3). Last evaluated 2026-06-01.

Conditions:
Charcot-Marie-Tooth disease type 4A. Also called: Charcot-Marie-Tooth disease, demyelinating, autosomal recessive, type 4a. Identifiers: Orphanet 99948, MedGen C1859198, MONDO:0008961, OMIM 214400.
Charcot-Marie-Tooth disease. Also called: Charcot-Marie-Tooth Hereditary Neuropathy; Charcot-Marie-Tooth Neuropathy. Identifiers: Orphanet 166, MedGen C0007959, MONDO:0015626.

Allele frequency attached by ClinVar (database versions not stated): ESP Exome Variant Server 0.00338; 1000 Genomes Project 30x 0.00265; gnomAD 0.00258 and 0.00284; TOPMed 0.00296; 1000 Genomes Project 0.00220.
gnomAD v4.1: 718 of 1,501,518 alleles (0.048%); highest among the groups gnomAD compares: African/African-American, 0.84%; no homozygotes.

Submissions (4):

Women's Health and Genetics/Laboratory Corporation of America, LabCorp
Classification: Likely benign. Last evaluated: 2026-06-01. Review status: criteria provided, single submitter. Criteria: LabCorp Variant Classification Summary - May 2015. Collection method: clinical testing. Allele origin: germline.

Labcorp Genetics (formerly Invitae), Labcorp
Classification: Benign for Charcot-Marie-Tooth disease type 4A. Last evaluated: 2026-01-11. Review status: criteria provided, single submitter. Criteria: Invitae Variant Classification Sherloc (09022015). Collection method: clinical testing. Allele origin: germline.

GeneDx
Classification: Likely benign. Last evaluated: 2018-02-19. Review status: criteria provided, single submitter. Criteria: GeneDx Variant Classification (06012015). Collection method: clinical testing. Allele origin: germline. Affected: yes.
Comment: This variant is considered likely benign or benign based on one or more of the following criteria: it is a conservative change, it occurs at a poorly conserved position in the protein, it is predicted to be benign by multiple in silico algorithms, and/or has population frequency not consistent with disease.

Molecular Genetics Laboratory, London Health Sciences Centre
Classification: Likely benign for Charcot-Marie-Tooth disease. Review status: criteria provided, single submitter. Criteria: ACMG Guidelines, 2015. Collection method: clinical testing. Allele origin: germline. Affected: yes.

NM_018972.4(GDAP1):c.117+12C>G

Genes: GDAP1 (ganglioside induced differentiation associated protein 1; plus strand), LOC130000622 (ATAC-STARR-seq lymphoblastoid active region 27542; plus strand). Cytogenetic location: 8q21.11.
Variant type: single nucleotide variant.
Coding change: c.117+12C>G on transcript NM_018972.4 (MANE Select); 12 bases into the intron after coding-DNA position 117, C replaced by G.
Molecular consequence: intron variant.
Genome position (GRCh38, 1-based): chr8:74,350,590, C>G. VCF-style: chr8-74350590-C-G. GRCh37 (hg19) VCF-style: chr8-75262825-C-G.
Other names: c.117+12C>G (NM_001362931.2, NM_001362930.2); c.-66+12C>G (NM_001362929.2); c.-18+12C>G (NM_001362932.2); c.-64+118C>G (NM_001040875.4).
Identifiers: ClinVar variation 506605 (VCV000506605.11), dbSNP rs202059380, ClinGen allele CA4785023.